The following is an entry in ClinVar:

NM_000138.5(FBN1):c.346+1G>A

Gene: FBN1 (fibrillin 1; minus strand). Cytogenetic location: 15q21.1.
Variant type: single nucleotide variant.
Coding change: c.346+1G>A on transcript NM_000138.5 (MANE Select); the canonical splice donor site of the intron after coding-DNA position 346, G replaced by A.
Molecular consequence: splice donor variant.
Genome position (GRCh38, 1-based): chr15:48,610,727, C>T on the plus strand (G>A on the coding strand, the complement: FBN1 is on the minus strand). VCF-style: chr15-48610727-C-T. GRCh37 (hg19) VCF-style: chr15-48902924-C-T.
Other names: c.346+1G>A (NM_001406716.1, NM_001406717.1).
Identifiers: ClinVar variation 3753257 (VCV003753257.2).

ClinVar aggregate classification (germline): Likely pathogenic (1 of 4 stars; one submission).

Conditions:
Marfan syndrome (MFS). Also called: MARFAN SYNDROME, TYPE I; Marfan syndrome type 1; Marfan's syndrome; Marfan syndrome, classic; FBN1-Related Marfan Syndrome. Identifiers: Orphanet 284963, Orphanet 558, MedGen C0024796, MONDO:0007947, OMIM 154700.
Familial thoracic aortic aneurysm and aortic dissection (TAAD). Also called: Thoracic aortic aneurysms and dissections. Identifiers: Orphanet 91387, MedGen C4707243, MONDO:0019625.

Submission:

Labcorp Genetics (formerly Invitae), Labcorp
Classification: Likely pathogenic for Marfan syndrome; Familial thoracic aortic aneurysm and aortic dissection. Last evaluated: 2025-05-27. Review status: criteria provided, single submitter. Criteria: Invitae Variant Classification Sherloc (09022015). Collection method: clinical testing. Allele origin: germline.
Comment: This sequence change affects a donor splice site in intron 4 of the FBN1 gene. It is expected to disrupt RNA splicing. Variants that disrupt the donor or acceptor splice site typically lead to a loss of protein function (PMID: 16199547), and loss-of-function variants in FBN1 are known to be pathogenic (PMID: 17657824, 19293843). This variant is not present in population databases (gnomAD no frequency). This variant has not been reported in the literature in individuals affected with FBN1-related conditions. ClinVar contains an entry for this variant (Variation ID: 3753257). Algorithms developed to predict the effect of sequence changes on RNA splicing suggest that this variant may disrupt the consensus splice site. In summary, the currently available evidence indicates that the variant is pathogenic, but additional data are needed to prove that conclusively. Therefore, this variant has been classified as Likely Pathogenic.

Literature cited by the submitters: PubMed 16199547; PubMed 17657824; PubMed 19293843.